The following is an entry in ClinVar:

NM_001320.7(CSNK2B):c.1A>T (p.Met1Leu)

Gene: CSNK2B (casein kinase 2 beta; plus strand). Cytogenetic location: 6p21.33.
Variant type: single nucleotide variant.
Coding change: c.1A>T on transcript NM_001320.7 (MANE Select); coding-DNA position 1, A replaced by T.
Protein change: p.Met1Leu; changes the start codon (methionine 1).
Molecular consequence: missense variant, initiator codon variant.
Genome position (GRCh38, 1-based): chr6:31,666,832, A>T. VCF-style: chr6-31666832-A-T. GRCh37 (hg19) VCF-style: chr6-31634609-A-T.
Other names: c.1A>T, p.Met1Leu (NM_001282385.2); short protein forms M1L.
Identifiers: ClinVar variation 4074760 (VCV004074760.3).

ClinVar aggregate classification (germline): Conflicting classifications of pathogenicity. Review status: criteria provided, conflicting classifications (1 of 4 stars). 3 submissions from 3 submitters: Pathogenic (1); Uncertain significance (1). 1 of the submissions does not count toward it. Last evaluated 2022-01-28.

Conditions:
CSNK2B-related disorder. Also called: CSNK2B-related condition.
Poirier-Bienvenu neurodevelopmental syndrome (POBINDS). Identifiers: Orphanet 689397, MedGen C5231482, MONDO:0032889, OMIM 618732.
Intellectual disability. Also called: intellectual disabilities; Intellectual developmental disorder; Intellectual functioning disability. Identifiers: MedGen C3714756, MeSH D008607, MONDO:0001071, HP:0001249.

Submissions (3):

Blueprint Genetics
Classification: Pathogenic for CSNK2B-related disorders. Last evaluated: 2022-01-28. Review status: criteria provided, single submitter. Criteria: ACMG Guidelines, 2015. Collection method: clinical testing. Allele origin: germline. Affected: yes. Observed: 1 variant allele.

Cambridge Genomics Laboratory, East Genomic Laboratory Hub, NHS Genomic Medicine Service
Classification: Uncertain significance for Intellectual disability. Last evaluated: 2020-03-20. Review status: criteria provided, single submitter. Criteria: ACGS Best Practice Guidelines for Variant Classification in Rare Disease 2020. Collection method: clinical testing. Allele origin: germline. Affected: yes. Observed: 1 variant allele.

Department of Neurology, Children's Hospital of Nanjing Medical University
Classification: Likely pathogenic for Poirier-Bienvenu neurodevelopmental syndrome. Last evaluated: 2025-07-03. Review status: no assertion criteria provided. Collection method: clinical testing. Allele origin: de novo. Inheritance: Autosomal dominant inheritance. Affected: yes. Observed: 1 variant allele, 1 heterozygote. Not counted in ClinVar's aggregate classification.
Comment: This is a start-loss variant in a gene with no known alternative start codon transcripts, and at least one pathogenic variant has been identified upstream of the nearest potential in-frame start codon (suggesting that this variant may lead to protein truncation or loss by altering the start codon of the coding sequence, and is expected to result in the deletion of a critical region of the protein). This variant has been detected as de novo in one or more phenotypically relevant families with confirmed pedigree relationships, meeting the criterion 1 ≤ PS2-Case_Score < 2. The allele frequency in population databases is less than 0.0005. This is a novel missense variant at the same codon where a previously established pathogenic (P) or likely pathogenic (LP) missense variant has been identified. Multiple bioinformatic prediction tools support that this variant is deleterious to the gene/gene product or affects splicing, reaching the supporting threshold level.